The following is an entry in ClinVar:

NM_001379451.1(BCORL1):c.516T>C (p.Asn172=)

Gene: BCORL1 (BCL6 corepressor like 1; plus strand). Cytogenetic location: Xq26.1.
Variant type: single nucleotide variant.
Coding change: c.516T>C on transcript NM_001379451.1 (MANE Select); coding-DNA position 516, T replaced by C.
Protein change: p.Asn172=; no amino-acid change (asparagine 172 retained).
Molecular consequence: synonymous variant.
Genome position (GRCh38, 1-based): chrX:130,013,288, T>C. VCF-style: chrX-130013288-T-C. GRCh37 (hg19) VCF-style: chrX-129147264-T-C.
Other names: c.516T>C, p.Asn172= (NM_001184772.3, NM_001379450.1, NM_021946.5).
Identifiers: ClinVar variation 674308 (VCV000674308.7), dbSNP rs36043572, ClinGen allele CA10514136.

ClinVar aggregate classification (germline): Benign/Likely benign. Review status: criteria provided, multiple submitters, no conflicts (2 of 4 stars). 4 submissions from 4 submitters: Benign (1); Likely benign (3). Last evaluated 2022-04-06.

Conditions:
Shukla-Vernon syndrome. Identifiers: MedGen C5193146, MONDO:0026727, OMIM 301029.

Allele frequency attached by ClinVar (database versions not stated): 1000 Genomes Project 30x 0.00312; 1000 Genomes Project 0.00371; TOPMed 0.00404; ESP Exome Variant Server 0.00568; gnomAD 0.00612; gnomAD exomes 0.00767 and 0.00772; ExAC 0.00786.

Submissions (4):

Fulgent Genetics
Classification: Likely benign for Shukla-Vernon syndrome. Last evaluated: 2022-04-06. Review status: criteria provided, single submitter. Criteria: ACMG Guidelines, 2015. Collection method: clinical testing. Allele origin: unknown.

Labcorp Genetics (formerly Invitae), Labcorp
Classification: Benign. Last evaluated: 2019-12-31. Review status: criteria provided, single submitter. Criteria: Invitae Variant Classification Sherloc (09022015). Collection method: clinical testing. Allele origin: germline.

GeneDx
Classification: Likely benign. Last evaluated: 2018-06-20. Review status: criteria provided, single submitter. Criteria: GeneDx Variant Classification (06012015). Collection method: clinical testing. Allele origin: germline. Affected: yes.
Comment: This variant is considered likely benign or benign based on one or more of the following criteria: it is a conservative change, it occurs at a poorly conserved position in the protein, it is predicted to be benign by multiple in silico algorithms, and/or has population frequency not consistent with disease.

Breakthrough Genomics
Classification: Likely benign. Review status: criteria provided, single submitter. Criteria: ACMG Guidelines, 2015. Collection method: not provided. Allele origin: germline. Inheritance: X-linked inheritance. Affected: yes.